The following is an entry in ClinVar:

NM_001142800.2(EYS):c.2134A>G (p.Lys712Glu)

Gene: EYS (eyes shut homolog; minus strand). Cytogenetic location: 6q12.
Variant type: single nucleotide variant.
Coding change: c.2134A>G on transcript NM_001142800.2 (MANE Select); coding-DNA position 2134, A replaced by G.
Protein change: p.Lys712Glu; replaces lysine 712 with glutamic acid.
Molecular consequence: missense variant.
Genome position (GRCh38, 1-based): chr6:65,057,617, T>C on the plus strand (A>G on the coding strand, the complement: EYS is on the minus strand). VCF-style: chr6-65057617-T-C. GRCh37 (hg19) VCF-style: chr6-65767510-T-C.
Other names: c.2134A>G, p.Lys712Glu (NM_001292009.2); short protein forms K712E.
Identifiers: ClinVar variation 1957499 (VCV001957499.2), dbSNP rs1773454566, ClinGen allele CA364787341.

ClinVar aggregate classification (germline): Uncertain significance (1 of 4 stars; one submission).

Allele frequency attached by ClinVar (database versions not stated): TOPMed below 0.00001; gnomAD 0.00001.
gnomAD v4.1: 1 of 1,540,396 alleles (0.000065%); highest among the groups gnomAD compares: Admixed American, 0.002%; no homozygotes.

Submission:

Labcorp Genetics (formerly Invitae), Labcorp
Classification: Uncertain significance. Last evaluated: 2022-02-08. Review status: criteria provided, single submitter. Criteria: Invitae Variant Classification Sherloc (09022015). Collection method: clinical testing. Allele origin: germline.
Comment: This sequence change replaces lysine, which is basic and polar, with glutamic acid, which is acidic and polar, at codon 712 of the EYS protein (p.Lys712Glu). This variant is not present in population databases (gnomAD no frequency). This variant has not been reported in the literature in individuals affected with EYS-related conditions. Algorithms developed to predict the effect of missense changes on protein structure and function are either unavailable or do not agree on the potential impact of this missense change (SIFT: "Deleterious"; PolyPhen-2: "Benign"; Align-GVGD: "Class C15"). In summary, the available evidence is currently insufficient to determine the role of this variant in disease. Therefore, it has been classified as a Variant of Uncertain Significance.